The following is an entry in ClinVar:

ClinVar aggregate classification (germline): Uncertain significance (1 of 4 stars; one submission).

Submission:

Labcorp Genetics (formerly Invitae), Labcorp
Classification: Uncertain significance. Last evaluated: 2025-06-09. Review status: criteria provided, single submitter. Criteria: Invitae Variant Classification Sherloc (09022015). Collection method: clinical testing. Allele origin: germline.
Comment: This sequence change creates a premature translational stop signal (p.Pro198Leufs*14) in the ANXA11 gene. It is expected to result in an absent or disrupted protein product. However, the current clinical and genetic evidence is not sufficient to establish whether loss-of-function variants in ANXA11 cause disease. This variant is not present in population databases (gnomAD no frequency). This variant has not been reported in the literature in individuals affected with ANXA11-related conditions. Algorithms developed to predict the effect of sequence changes on RNA splicing suggest that this variant may disrupt the consensus splice site. In summary, the available evidence is currently insufficient to determine the role of this variant in disease. Therefore, it has been classified as a Variant of Uncertain Significance.

NM_145868.2(ANXA11):c.592_598del (p.Pro198fs)

Gene: ANXA11 (annexin A11; minus strand). Cytogenetic location: 10q22.3.
Variant type: Deletion.
Coding change: c.592_598del on transcript NM_145868.2 (MANE Select); coding-DNA positions 592 to 598, 7 bases deleted (CCCGGCT; older notation c.592_598delCCCGGCT).
Protein change: p.Pro198fs; shifts the reading frame from proline 198.
Molecular consequence: frameshift variant.
Genome position (GRCh38, 1-based): chr10:80,167,277-80,167,283, AGCCGGG deleted on the plus strand (CCCGGCT on the coding strand, the reverse complement: ANXA11 is on the minus strand); deleting any 7 consecutive bases within chr10:80,167,277-80,167,286 gives the same sequence; the c. name uses the placement nearest the transcript's 3' end. VCF-style (leftmost placement, unchanged base first): chr10-80167276-AAGCCGGG-A. GRCh37 (hg19) VCF-style: chr10-81927032-AAGCCGGG-A.
Other names: c.592_598del, p.Pro198fs (NM_001157.3, NM_001278407.2, NM_001278408.2 and 1 more transcripts); c.493_499del, p.Pro165fs (NM_001278409.2); short protein forms P165fs, P198fs.
Identifiers: ClinVar variation 4781137 (VCV004781137.1).